The following is an entry in ClinVar:

NM_000530.8(MPZ):c.488G>C (p.Gly163Ala)

Gene: MPZ (myelin protein zero; minus strand). Cytogenetic location: 1q23.3.
Variant type: single nucleotide variant.
Coding change: c.488G>C on transcript NM_000530.8 (MANE Select); coding-DNA position 488, G replaced by C.
Protein change: p.Gly163Ala; replaces glycine 163 with alanine.
Molecular consequence: missense variant.
Genome position (GRCh38, 1-based): chr1:161,306,425, C>G on the plus strand (G>C on the coding strand, the complement: MPZ is on the minus strand). VCF-style: chr1-161306425-C-G. GRCh37 (hg19) VCF-style: chr1-161276215-C-G.
Other names: c.488G>C, p.Gly163Ala (NM_001315491.2); short protein forms G163A.
Identifiers: ClinVar variation 2976652 (VCV002976652.3), dbSNP rs1487233699, ClinGen allele CA343346207.

ClinVar aggregate classification (germline): Uncertain significance (1 of 4 stars; one submission).

Conditions:
Charcot-Marie-Tooth disease, type I (CMT1). Also called: Charcot-Marie-Tooth, Type 1; Charcot-Marie-Tooth disease type 1. Identifiers: Orphanet 65753, MedGen C0751036, MONDO:0019011.

Allele frequency attached by ClinVar (database versions not stated): gnomAD exomes below 0.00001; gnomAD 0.00001; TOPMed 0.00001.
gnomAD v4.1: 3 of 1,614,110 alleles (0.00019%); highest among the groups gnomAD compares: African/African-American, 0.0027%; no homozygotes.

Submission:

Labcorp Genetics (formerly Invitae), Labcorp
Classification: Uncertain significance for Charcot-Marie-Tooth disease, type I. Last evaluated: 2022-11-23. Review status: criteria provided, single submitter. Criteria: Invitae Variant Classification Sherloc (09022015). Collection method: clinical testing. Allele origin: germline.
Comment: This sequence change replaces glycine, which is neutral and non-polar, with alanine, which is neutral and non-polar, at codon 163 of the MPZ protein (p.Gly163Ala). This variant is present in population databases (no rsID available, gnomAD 0.01%). This variant has not been reported in the literature in individuals affected with MPZ-related conditions. Advanced modeling of protein sequence and biophysical properties (such as structural, functional, and spatial information, amino acid conservation, physicochemical variation, residue mobility, and thermodynamic stability) performed at Invitae indicates that this missense variant is not expected to disrupt MPZ protein function. This variant disrupts the p.Gly163 amino acid residue in MPZ. Other variant(s) that disrupt this residue have been determined to be pathogenic (PMID: 8800924, 12207932, 15170620; Invitae). This suggests that this residue is clinically significant, and that variants that disrupt this residue are likely to be disease-causing. In summary, the available evidence is currently insufficient to determine the role of this variant in disease. Therefore, it has been classified as a Variant of Uncertain Significance.

Literature cited by the submitters: PubMed 8800924; PubMed 12207932; PubMed 15170620.